The following is an entry in ClinVar:

NM_000465.4(BARD1):c.1477C>G (p.Gln493Glu)

Gene: BARD1 (BRCA1 associated RING domain 1; minus strand). Cytogenetic location: 2q35.
Variant type: single nucleotide variant.
Coding change: c.1477C>G on transcript NM_000465.4 (MANE Select); coding-DNA position 1477, C replaced by G.
Protein change: p.Gln493Glu; replaces glutamine 493 with glutamic acid.
Molecular consequence: missense variant. On other transcripts: non-coding transcript variant (3), intron variant (3).
Genome position (GRCh38, 1-based): chr2:214,767,573, G>C on the plus strand (C>G on the coding strand, the complement: BARD1 is on the minus strand). VCF-style: chr2-214767573-G-C. GRCh37 (hg19) VCF-style: chr2-215632297-G-C.
Other names: c.1420C>G, p.Gln474Glu (NM_001282543.2); c.159-15018C>G (NM_001282548.2); c.216-15018C>G (NM_001282545.2); c.364+24724C>G (NM_001282549.2); short protein forms Q474E, Q493E.
Identifiers: ClinVar variation 2845537 (VCV002845537.3), dbSNP rs1200620607, ClinGen allele CA350448450.

ClinVar aggregate classification (germline): Uncertain significance (1 of 4 stars; one submission).

Conditions:
Familial cancer of breast. Also called: hereditary breast carcinoma; BREAST CANCER, FAMILIAL; Hereditary breast cancer. Identifiers: Orphanet 227535, MedGen C0346153, MONDO:0016419, OMIM 114480. Disease mechanism: loss of function.

Allele frequency attached by ClinVar (database versions not stated): TOPMed below 0.00001.

Submission:

Labcorp Genetics (formerly Invitae), Labcorp
Classification: Uncertain significance for Familial cancer of breast. Last evaluated: 2023-03-14. Review status: criteria provided, single submitter. Criteria: Invitae Variant Classification Sherloc (09022015). Collection method: clinical testing. Allele origin: germline.
Comment: This variant is not present in population databases (gnomAD no frequency). This variant has not been reported in the literature in individuals affected with BARD1-related conditions. An algorithm developed to predict the effect of missense changes on protein structure and function (PolyPhen-2) suggests that this variant is likely to be tolerated. In summary, the available evidence is currently insufficient to determine the role of this variant in disease. Therefore, it has been classified as a Variant of Uncertain Significance. This sequence change replaces glutamine, which is neutral and polar, with glutamic acid, which is acidic and polar, at codon 493 of the BARD1 protein (p.Gln493Glu).